The following is an entry in ClinVar:

ClinVar aggregate classification (germline): Uncertain significance (1 of 4 stars; one submission).

Conditions:
Fanconi anemia complementation group E (FANCE). Also called: FANCE-Related Fanconi Anemia. Identifiers: Orphanet 84, MedGen C3160739, MONDO:0010953, OMIM 600901.

Submission:

Labcorp Genetics (formerly Invitae), Labcorp
Classification: Uncertain significance for Fanconi anemia complementation group E. Last evaluated: 2021-10-10. Review status: criteria provided, single submitter. Criteria: Invitae Variant Classification Sherloc (09022015). Collection method: clinical testing. Allele origin: germline.
Comment: In summary, the available evidence is currently insufficient to determine the role of this variant in disease. Therefore, it has been classified as a Variant of Uncertain Significance. Algorithms developed to predict the effect of missense changes on protein structure and function are either unavailable or do not agree on the potential impact of this missense change (SIFT: "Tolerated"; PolyPhen-2: "Possibly Damaging"; Align-GVGD: "Class C0"). This variant has not been reported in the literature in individuals with FANCE-related conditions. The frequency data for this variant in the population databases is considered unreliable, as metrics indicate insufficient coverage at this position in the ExAC database. This sequence change replaces glycine with arginine at codon 61 of the FANCE protein (p.Gly61Arg). The glycine residue is weakly conserved and there is a moderate physicochemical difference between glycine and arginine.

NM_021922.3(FANCE):c.181G>C (p.Gly61Arg)

Genes: FANCE (FA complementation group E; plus strand), LOC129996245 (ATAC-STARR-seq lymphoblastoid silent region 17092; plus strand). Cytogenetic location: 6p21.31.
Variant type: single nucleotide variant.
Coding change: c.181G>C on transcript NM_021922.3 (MANE Select); coding-DNA position 181, G replaced by C.
Protein change: p.Gly61Arg; replaces glycine 61 with arginine.
Molecular consequence: missense variant.
Genome position (GRCh38, 1-based): chr6:35,452,726, G>C. VCF-style: chr6-35452726-G-C. GRCh37 (hg19) VCF-style: chr6-35420503-G-C.
Other names: short protein forms G61R.
Identifiers: ClinVar variation 1381359 (VCV001381359.6), dbSNP rs2150885964, ClinGen allele CA363770602.